The following is an entry in ClinVar:

ClinVar aggregate classification (germline): Benign. Review status: criteria provided, multiple submitters, no conflicts (2 of 4 stars). 2 submissions from 2 submitters: Benign (2). Last evaluated 2018-01-13.

Conditions:
Cayman type cerebellar ataxia. Also called: Cayman ataxia. Identifiers: Orphanet 94122, MedGen C1832585, MONDO:0011025, OMIM 601238.

Allele frequency attached by ClinVar (database versions not stated): gnomAD 0.00140 and 0.00274; TOPMed 0.00181; 1000 Genomes Project 0.01038; 1000 Genomes Project 30x 0.01109.

Submissions (2):

Illumina Laboratory Services, Illumina
Classification: Benign for Cayman type cerebellar ataxia. Last evaluated: 2018-01-13. Review status: criteria provided, single submitter. Criteria: ICSL Variant Classification Criteria 13 December 2019. Collection method: clinical testing. Allele origin: germline.
Comment: This variant was observed in the ICSL laboratory as part of a predisposition screen in an ostensibly healthy population. It had not been previously curated by ICSL or reported in the Human Gene Mutation Database (HGMD: prior to June 1st, 2018), and was therefore a candidate for classification through an automated scoring system. Utilizing variant allele frequency, disease prevalence and penetrance estimates, and inheritance mode, an automated score was calculated to assess if this variant is too frequent to cause the disease. Based on the score and internal cut-off values, a variant classified as benign is not then subjected to further curation. The score for this variant resulted in a classification of benign for this disease.

Breakthrough Genomics
Classification: Benign. Review status: criteria provided, single submitter. Criteria: ACMG Guidelines, 2015. Collection method: not provided. Allele origin: germline. Inheritance: Autosomal recessive inheritance. Affected: yes.

NM_033064.5(ATCAY):c.*1653G>T

Gene: ATCAY (ATCAY kinesin light chain interacting caytaxin; plus strand). Cytogenetic location: 19p13.3.
Variant type: single nucleotide variant.
Coding change: c.*1653G>T on transcript NM_033064.5 (MANE Select); 1653 bases downstream of the stop codon, G replaced by T.
Molecular consequence: 3 prime UTR variant.
Genome position (GRCh38, 1-based): chr19:3,926,245, G>T. VCF-style: chr19-3926245-G-T. GRCh37 (hg19) VCF-style: chr19-3926243-G-T.
Identifiers: ClinVar variation 329188 (VCV000329188.6), dbSNP rs543950349, ClinGen allele CA10648707.
Genomic context (GRCh38, chr19:3,926,245, plus strand): 5'-AATCCCAGCTACTCGGGAGGCTGAGGCAGGAGAACTGCTTGAACCCAGGAGGCAGAGGTT[G>T]CAGTGATCCAAGATCATGCCACTGCACTCCAGCCTGGGCAACAAGAGCAAAACTCCGTCT-3'